The following is an entry in ClinVar:

ClinVar aggregate classification (germline): Pathogenic. Review status: criteria provided, single submitter (1 of 4 stars). 2 submissions from 2 submitters: Pathogenic (1). 1 of the submissions does not count toward it. Last evaluated 2021-04-26.

Conditions:
Congenital anomalies of kidney and urinary tract syndrome with or without hearing loss, abnormal ears, or developmental delay. Also called: Congenital Anomalies of the Kidney and Urinary Tract syndrome with or without Hearing Loss, Abnormal Ears, or Developmental Delay. Identifiers: Orphanet 656130, MedGen C4539968, MONDO:0060549, OMIM 617641.

Submissions (2):

Genetics Laboratory, UDIAT-Centre Diagnòstic, Hospital Universitari Parc Tauli
Classification: Pathogenic. Last evaluated: 2021-04-26. Review status: criteria provided, single submitter. Criteria: Parc Tauli Hospital Assertion Criteria 2021. Collection method: clinical testing. Allele origin: de novo. Inheritance: Autosomal dominant inheritance. Affected: yes. Observed: 1 heterozygote.
Comment: PVS1_very strong;PM2_supporting;PM6_moderate

Gharavi Laboratory, Columbia University
Classification: Pathogenic for Congenital anomalies of kidney and urinary tract syndrome with or without hearing loss, abnormal ears, or developmental delay. Last evaluated: 2024-11-05. Review status: no assertion criteria provided. Criteria: ACMG Guidelines, 2015. Collection method: case-control. Allele origin: germline. Affected: yes. Not counted in ClinVar's aggregate classification.

NM_002585.4(PBX1):c.52G>T (p.Gly18Ter)

Gene: PBX1 (PBX homeobox 1; plus strand). Cytogenetic location: 1q23.3.
Variant type: single nucleotide variant.
Coding change: c.52G>T on transcript NM_002585.4 (MANE Select); coding-DNA position 52, G replaced by T.
Protein change: p.Gly18Ter; replaces glycine 18 with a stop codon.
Molecular consequence: nonsense. On other transcripts: 5 prime UTR variant (1).
Genome position (GRCh38, 1-based): chr1:164,559,874, G>T. VCF-style: chr1-164559874-G-T. GRCh37 (hg19) VCF-style: chr1-164529111-G-T.
Other names: c.52G>T, p.Gly18Ter (NM_001204961.2, NM_001204963.2, NM_001353131.2); c.-124G>T (NM_001353130.1); short protein forms G18*.
Identifiers: ClinVar variation 1098351 (VCV001098351.3), dbSNP rs544057798, ClinGen allele CA1219287.